The following is an entry in ClinVar:

NM_000038.6(APC):c.7969G>A (p.Val2657Ile)

Gene: APC (APC regulator of Wnt signaling pathway; plus strand). Cytogenetic location: 5q22.2.
Variant type: single nucleotide variant.
Coding change: c.7969G>A on transcript NM_000038.6 (MANE Select); coding-DNA position 7969, G replaced by A.
Protein change: p.Val2657Ile; replaces valine 2657 with isoleucine.
Molecular consequence: missense variant.
Genome position (GRCh38, 1-based): chr5:112,843,563, G>A. VCF-style: chr5-112843563-G-A. GRCh37 (hg19) VCF-style: chr5-112179260-G-A.
Other names: c.7969G>A, p.Val2657Ile (NM_001127510.3, NM_001354895.2); c.7915G>A, p.Val2639Ile (NM_001127511.3); c.8023G>A, p.Val2675Ile (NM_001354896.2); c.7999G>A, p.Val2667Ile (NM_001354897.2); c.7894G>A, p.Val2632Ile (NM_001354898.2); c.7885G>A, p.Val2629Ile (NM_001354899.2); c.7846G>A, p.Val2616Ile (NM_001354900.2); c.7792G>A, p.Val2598Ile (NM_001354901.2); and 5 more; short protein forms V2531I, V2598I, V2616I, V2374I, V2639I, V2556I, V2566I, V2632I.
Identifiers: ClinVar variation 827364 (VCV000827364.14), dbSNP rs769433536, ClinGen allele CA049543.

ClinVar aggregate classification (germline): Uncertain significance. Review status: criteria provided, multiple submitters, no conflicts (2 of 4 stars). 4 submissions from 4 submitters: Uncertain significance (4). Last evaluated 2025-03-04.

Conditions:
Hereditary cancer-predisposing syndrome. Also called: Neoplastic Syndromes, Hereditary; Tumor predisposition; Hereditary neoplastic syndrome; Hereditary Cancer Syndrome. Identifiers: Orphanet 140162, MedGen C0027672, MeSH D009386, MONDO:0015356.
Familial adenomatous polyposis 1 (FAP1). Also called: POLYPOSIS, ADENOMATOUS INTESTINAL; FAMILIAL ADENOMATOUS POLYPOSIS 1, ATTENUATED. Identifiers: MedGen C2713442, MONDO:0021056, OMIM 175100. Disease mechanism: loss of function.

Allele frequency attached by ClinVar (database versions not stated): gnomAD exomes below 0.00001; ExAC 0.00001.
gnomAD v4.1: 2 of 1,613,990 alleles (0.00012%); highest among the groups gnomAD compares: East Asian, 0.0045%; no homozygotes.

Submissions (4):

Center for Genomic Medicine, Rigshospitalet, Copenhagen University Hospital
Classification: Uncertain significance. Last evaluated: 2025-03-04. Review status: criteria provided, single submitter. Criteria: ACMG Guidelines, 2015. Collection method: clinical testing. Allele origin: germline.
Comment: Classification criteria: BP1

Ambry Genetics
Classification: Uncertain significance for Hereditary cancer-predisposing syndrome. Last evaluated: 2024-11-26. Review status: criteria provided, single submitter. Criteria: Ambry Variant Classification Scheme 2023. Collection method: clinical testing. Allele origin: germline.
Comment: The p.V2657I variant (also known as c.7969G>A), located in coding exon 15 of the APC gene, results from a G to A substitution at nucleotide position 7969. The valine at codon 2657 is replaced by isoleucine, an amino acid with highly similar properties. This variant has been seen in an individual with clinical features of FAP or attenuated FAP who was otherwise negative for mutations in APC, MUTYH, POLE, and POLD1 (Park JS et al. Dis Colon Rectum, 2022 Jun;65:793-803) but has also been detected in multiple individuals with no reported polyposis (Ambry internal data). This amino acid position is highly conserved in available vertebrate species. In addition, in silico predictors for this gene do not accurately predict pathogenicity. Based on the available evidence, the clinical significance of this variant remains unclear.

Labcorp Genetics (formerly Invitae), Labcorp
Classification: Uncertain significance for Familial adenomatous polyposis 1. Last evaluated: 2024-11-04. Review status: criteria provided, single submitter. Criteria: Invitae Variant Classification Sherloc (09022015). Collection method: clinical testing. Allele origin: germline.
Comment: This sequence change replaces valine, which is neutral and non-polar, with isoleucine, which is neutral and non-polar, at codon 2657 of the APC protein (p.Val2657Ile). This variant is present in population databases (rs769433536, gnomAD 0.006%). This missense change has been observed in individual(s) with adenomatous polyposis or prostate cancer (PMID: 34897210, 35534218). ClinVar contains an entry for this variant (Variation ID: 827364). Invitae Evidence Modeling of protein sequence and biophysical properties (such as structural, functional, and spatial information, amino acid conservation, physicochemical variation, residue mobility, and thermodynamic stability) indicates that this missense variant is not expected to disrupt APC protein function with a negative predictive value of 95%. In summary, the available evidence is currently insufficient to determine the role of this variant in disease. Therefore, it has been classified as a Variant of Uncertain Significance.

Quest Diagnostics Nichols Institute San Juan Capistrano
Classification: Uncertain significance. Last evaluated: 2023-12-26. Review status: criteria provided, single submitter. Criteria: Quest Diagnostics criteria. Collection method: clinical testing. Allele origin: unknown.
Comment: The APC c.7969G>A (p.Val2657Ile) variant has been reported in the published literature in individuals with prostate cancer (PMID: 35534218 (2022)), familial adenomatous polyposis (FAP) or atypical FAP (PMID: 34897210 (2022)), and familial hypocalciuric hypercalcemia (PMID: 35586626 (2022)). The frequency of this variant in the general population, 0.000004 (1/251162 chromosomes (Genome Aggregation Database)), is uninformative in the assessment of its pathogenicity. Analysis of this variant using bioinformatics tools for the prediction of the effect of amino acid changes on protein structure and function yielded conflicting predictions that this variant is benign or damaging. Based on the available information, we are unable to determine the clinical significance of this variant.

Literature cited by the submitters: PubMed 34897210 (cited by 3 submitters); PubMed 35534218 (cited by Labcorp Genetics (formerly Invitae), Labcorp and Quest Diagnostics Nichols Institute San Juan Capistrano); PubMed 29338689 (cited by Quest Diagnostics Nichols Institute San Juan Capistrano); PubMed 35586626 (cited by Quest Diagnostics Nichols Institute San Juan Capistrano).